The following is an entry in ClinVar:

NM_001100.4(ACTA1):c.809-2A>T

Gene: ACTA1 (actin alpha 1, skeletal muscle; minus strand). Cytogenetic location: 1q42.13.
Variant type: single nucleotide variant.
Coding change: c.809-2A>T on transcript NM_001100.4 (MANE Select); the canonical splice acceptor site of the intron before coding-DNA position 809, A replaced by T.
Molecular consequence: splice acceptor variant.
Genome position (GRCh38, 1-based): chr1:229,431,904, T>A on the plus strand (A>T on the coding strand, the complement: ACTA1 is on the minus strand). VCF-style: chr1-229431904-T-A. GRCh37 (hg19) VCF-style: chr1-229567651-T-A.
Identifiers: ClinVar variation 617580 (VCV000617580.6), dbSNP rs1301902450, ClinGen allele CA345146317.
Genomic context (GRCh38, chr1:229,431,904, plus strand): 5'-GATGTCACACTTCATGATGCTGTTGTAGGTGGTCTCGTGAATGCCCGCCGACTCCATACC[T>A]GGGGACCGCGGCGGGGAGCGTGAGCAGAAGCTCGGGGCGCCGGGGGCCGGCGGGGCCTGG-3'

ClinVar aggregate classification (germline): Conflicting classifications of pathogenicity. Review status: criteria provided, conflicting classifications (1 of 4 stars). 2 submissions from 2 submitters: Pathogenic (1); Uncertain significance (1). Last evaluated 2026-01-19.

Conditions:
Actin accumulation myopathy (CMYO2A). Also called: CONGENITAL MYOPATHY 2A, TYPICAL, AUTOSOMAL DOMINANT; Nemaline myopathy type 3; Myopathy, actin, congenital, with excess of thin myofilaments; Myopathy, actin, congenital, with cores; Nemaline myopathy 3, with intranuclear rods. Identifiers: Orphanet 98904, MedGen C3711389, MONDO:0008070, OMIM 161800.

Allele frequency attached by ClinVar (database versions not stated): gnomAD exomes below 0.00001; gnomAD 0.00001.
gnomAD v4.1: 4 of 1,609,476 alleles (0.00025%); highest among the groups gnomAD compares: Non-Finnish European, 0.00025%; no homozygotes.

Submissions (2):

Dasa
Classification: Uncertain significance. Last evaluated: 2026-01-19. Review status: criteria provided, single submitter. Criteria: DASA Assertion Criteria. Collection method: clinical testing. Allele origin: germline.
Comment: NM_001100.4(ACTA1):c.809-2A>T affects a canonical splice site and is predicted to disrupt normal RNA splicing. This variant is rare in population databases. Computational prediction algorithms are consistent with a deleterious effect. The currently available literature and clinical evidence are not sufficient to establish a definitive association between this variant and the reported condition. Therefore, this variant is classified as a variant of uncertain significance.

NeuroMeGen, Hospital Clinico Santiago de Compostela
Classification: Pathogenic for Actin accumulation myopathy. Last evaluated: 2018-10-08. Review status: criteria provided, single submitter. Criteria: ACMG Guidelines, 2015. Collection method: clinical testing. Allele origin: unknown. Affected: yes. Observed: 1 heterozygote.